The following is an entry in ClinVar:

NM_001113378.2(FANCI):c.688T>G (p.Leu230Val)

Gene: FANCI (FA complementation group I; plus strand). Cytogenetic location: 15q26.1.
Variant type: single nucleotide variant.
Coding change: c.688T>G on transcript NM_001113378.2 (MANE Select); coding-DNA position 688, T replaced by G.
Protein change: p.Leu230Val; replaces leucine 230 with valine.
Molecular consequence: missense variant.
Genome position (GRCh38, 1-based): chr15:89,264,540, T>G. VCF-style: chr15-89264540-T-G. GRCh37 (hg19) VCF-style: chr15-89807771-T-G.
Other names: c.409T>G, p.Leu137Val (NM_001376910.1); c.688T>G, p.Leu230Val (NM_001376911.1, NM_018193.3); c.688T>G (NM_001113378.1); short protein forms L137V, L230V.
Identifiers: ClinVar variation 1407286 (VCV001407286.7), dbSNP rs2151304688, ClinGen allele CA393739428.

ClinVar aggregate classification (germline): Uncertain significance. Review status: criteria provided, multiple submitters, no conflicts (2 of 4 stars). 2 submissions from 2 submitters: Uncertain significance (2). Last evaluated 2025-08-19.

Conditions:
Fanconi anemia (FA). Also called: Fanconi's anemia. Identifiers: Orphanet 84, MedGen C0015625, MeSH D005199, MONDO:0019391.
Inborn genetic diseases. Identifiers: MedGen C0950123, MeSH D030342.

gnomAD v4.1: 6 of 1,613,824 alleles (0.00037%); highest among the groups gnomAD compares: Non-Finnish European, 0.00051%; no homozygotes.

Submissions (2):

Ambry Genetics
Classification: Uncertain significance for Inborn genetic diseases. Last evaluated: 2025-08-19. Review status: criteria provided, single submitter. Criteria: Ambry Variant Classification Scheme 2023. Collection method: clinical testing. Allele origin: germline.

Labcorp Genetics (formerly Invitae), Labcorp
Classification: Uncertain significance for Fanconi anemia. Last evaluated: 2024-03-06. Review status: criteria provided, single submitter. Criteria: Invitae Variant Classification Sherloc (09022015). Collection method: clinical testing. Allele origin: germline.
Comment: This sequence change replaces leucine, which is neutral and non-polar, with valine, which is neutral and non-polar, at codon 230 of the FANCI protein (p.Leu230Val). This variant is not present in population databases (gnomAD no frequency). This variant has not been reported in the literature in individuals affected with FANCI-related conditions. ClinVar contains an entry for this variant (Variation ID: 1407286). Advanced modeling of protein sequence and biophysical properties (such as structural, functional, and spatial information, amino acid conservation, physicochemical variation, residue mobility, and thermodynamic stability) has been performed at Invitae for this missense variant, however the output from this modeling did not meet the statistical confidence thresholds required to predict the impact of this variant on FANCI protein function. In summary, the available evidence is currently insufficient to determine the role of this variant in disease. Therefore, it has been classified as a Variant of Uncertain Significance.